The following is an entry in ClinVar:

NM_001308210.2(TSHZ1):c.1298C>T (p.Ala433Val)

Genes: TSHZ1 (teashirt zinc finger homeobox 1; plus strand), LOC125371439 (Sharpr-MPRA regulatory region 9768; plus strand). Cytogenetic location: 18q22.3.
Variant type: single nucleotide variant.
Coding change: c.1298C>T on transcript NM_001308210.2 (MANE Select); coding-DNA position 1298, C replaced by T.
Protein change: p.Ala433Val; replaces alanine 433 with valine.
Molecular consequence: missense variant.
Genome position (GRCh38, 1-based): chr18:75,286,705, C>T. VCF-style: chr18-75286705-C-T. GRCh37 (hg19) VCF-style: chr18-72998660-C-T.
Other names: c.1163C>T (NM_005786.5); c.1163C>T, p.Ala388Val (NM_005786.6); short protein forms A388V, A433V.
Identifiers: ClinVar variation 3974809 (VCV003974809.2).

ClinVar aggregate classification (germline): Conflicting classifications of pathogenicity. Review status: criteria provided, conflicting classifications (1 of 4 stars). 2 submissions from 2 submitters: Uncertain significance (1); Likely benign (1). Last evaluated 2025-04-17.

Conditions:
TSHZ1-related disorder. Also called: TSHZ1-related condition.

gnomAD v4.1: 119 of 1,613,958 alleles (0.0074%); highest among the groups gnomAD compares: Non-Finnish European, 0.0075%; no homozygotes.

Submissions (2):

Ambry Genetics
Classification: Uncertain significance. Last evaluated: 2025-04-17. Review status: criteria provided, single submitter. Criteria: Ambry Variant Classification Scheme 2023. Collection method: clinical testing. Allele origin: germline.

PreventionGenetics, part of Exact Sciences
Classification: Likely benign for TSHZ1-related condition. Last evaluated: 2025-02-18. Review status: criteria provided, single submitter. Criteria: ACMG Guidelines, 2015. Collection method: clinical testing. Allele origin: germline.
Comment: This variant is classified as likely benign based on ACMG/AMP sequence variant interpretation guidelines (Richards et al. 2015 PMID: 25741868, with internal and published modifications).